The following is an entry in ClinVar:

NM_000440.3(PDE6A):c.2493G>C (p.Gln831His)

Gene: PDE6A (phosphodiesterase 6A; minus strand). Cytogenetic location: 5q32.
Variant type: single nucleotide variant.
Coding change: c.2493G>C on transcript NM_000440.3 (MANE Select); coding-DNA position 2493, G replaced by C.
Protein change: p.Gln831His; replaces glutamine 831 with histidine.
Molecular consequence: missense variant.
Genome position (GRCh38, 1-based): chr5:149,863,132, C>G on the plus strand (G>C on the coding strand, the complement: PDE6A is on the minus strand). VCF-style: chr5-149863132-C-G. GRCh37 (hg19) VCF-style: chr5-149242695-C-G.
Other names: short protein forms Q831H.
Identifiers: ClinVar variation 866135 (VCV000866135.10), dbSNP rs1760201855, ClinGen allele CA361708859.
Genomic context (GRCh38, chr5:149,863,132, plus strand): 5'-CTCAGGGAGTGGGGTGGTGGGAGTCCCTGCTTCCCCCTTCCACAAACCTGACTTGGCCGA[C>G]TGCTGTTTCTGCTTCTTCTCCTCCTGCACCTTCATCTTGGCATCGTACTCATCAGCAAGC-3'
Protein context (NP_000431.2, residues 821-841): KVQEEKKQKQ[Gln831His]SAKSAAAGNQ

ClinVar aggregate classification (germline): Uncertain significance. Review status: criteria provided, multiple submitters, no conflicts (2 of 4 stars). 2 submissions from 2 submitters: Uncertain significance (2). Last evaluated 2024-02-17.

Allele frequency attached by ClinVar (database versions not stated): gnomAD exomes below 0.00001.
gnomAD v4.1: 1 of 1,614,228 alleles (0.000062%); highest among the groups gnomAD compares: Non-Finnish European, 0.000085%; no homozygotes.

Submissions (2):

Labcorp Genetics (formerly Invitae), Labcorp
Classification: Uncertain significance. Last evaluated: 2024-02-17. Review status: criteria provided, single submitter. Criteria: Invitae Variant Classification Sherloc (09022015). Collection method: clinical testing. Allele origin: germline.
Comment: This sequence change replaces glutamine, which is neutral and polar, with histidine, which is basic and polar, at codon 831 of the PDE6A protein (p.Gln831His). This variant is not present in population databases (gnomAD no frequency). This variant has not been reported in the literature in individuals affected with PDE6A-related conditions. ClinVar contains an entry for this variant (Variation ID: 866135). An algorithm developed to predict the effect of missense changes on protein structure and function (PolyPhen-2) suggests that this variant is likely to be tolerated. In summary, the available evidence is currently insufficient to determine the role of this variant in disease. Therefore, it has been classified as a Variant of Uncertain Significance.

Blueprint Genetics
Classification: Uncertain significance. Last evaluated: 2018-04-29. Review status: criteria provided, single submitter. Criteria: ACMG Guidelines, 2015. Collection method: clinical testing. Allele origin: germline.